The following is an entry in ClinVar:

ClinVar aggregate classification (germline): Uncertain significance (1 of 4 stars; one submission).

Conditions:
Primary familial hypertrophic cardiomyopathy (HCM). Identifiers: Orphanet 99739, MedGen C0949658, MeSH D024741, MONDO:0024573. Inheritance: Various modes of inheritance.

Allele frequency attached by ClinVar (database versions not stated): gnomAD 0.00001; ExAC 0.00002; TOPMed 0.00003; ESP Exome Variant Server 0.00008; gnomAD exomes 0.00008.
gnomAD v4.1: 115 of 1,614,102 alleles (0.0071%); highest among the groups gnomAD compares: Non-Finnish European, 0.0096%; no homozygotes.

Submission:

Labcorp Genetics (formerly Invitae), Labcorp
Classification: Uncertain significance for Primary familial hypertrophic cardiomyopathy. Last evaluated: 2024-04-29. Review status: criteria provided, single submitter. Criteria: Invitae Variant Classification Sherloc (09022015). Collection method: clinical testing. Allele origin: germline.
Comment: This sequence change replaces methionine, which is neutral and non-polar, with isoleucine, which is neutral and non-polar, at codon 425 of the ILK protein (p.Met425Ile). This variant is present in population databases (rs373728455, gnomAD 0.006%). This missense change has been observed in individual(s) with dilated cardiomyopathy (PMID: 31983221). ClinVar contains an entry for this variant (Variation ID: 2042515). An algorithm developed to predict the effect of missense changes on protein structure and function (PolyPhen-2) suggests that this variant is likely to be tolerated. In summary, the available evidence is currently insufficient to determine the role of this variant in disease. Therefore, it has been classified as a Variant of Uncertain Significance.

Literature cited by the submitters: PubMed 31983221.

NM_004517.4(ILK):c.1275G>A (p.Met425Ile)

Genes: ILK (integrin linked kinase; plus strand), TAF10 (TATA-box binding protein associated factor 10; minus strand). Cytogenetic location: 11p15.4.
Variant type: single nucleotide variant.
Coding change: c.1275G>A on transcript NM_004517.4 (MANE Select); coding-DNA position 1275, G replaced by A.
Protein change: p.Met425Ile; replaces methionine 425 with isoleucine.
Molecular consequence: missense variant. On other transcripts: 3 prime UTR variant (1).
Genome position (GRCh38, 1-based): chr11:6,610,527, G>A. VCF-style: chr11-6610527-G-A. GRCh37 (hg19) VCF-style: chr11-6631758-G-A.
Other names: c.1275G>A, p.Met425Ile (NM_001014794.3, NM_001014795.3); c.1092G>A, p.Met364Ile (NM_001278441.2); c.873G>A, p.Met291Ile (NM_001278442.2); c.*395C>T (NM_006284.4); short protein forms M291I, M364I, M425I.
Identifiers: ClinVar variation 2042515 (VCV002042515.4), dbSNP rs373728455, ClinGen allele CA5858349.